The following is an entry in ClinVar:

ClinVar aggregate classification (germline): Uncertain significance. Review status: criteria provided, multiple submitters, no conflicts (2 of 4 stars). 2 submissions from 2 submitters: Uncertain significance (2). Last evaluated 2024-06-05.

Conditions:
Inborn genetic diseases. Identifiers: MedGen C0950123, MeSH D030342.

Allele frequency attached by ClinVar (database versions not stated): gnomAD 0.00002; TOPMed 0.00002.
gnomAD v4.1: 3 of 1,613,946 alleles (0.00019%); highest among the groups gnomAD compares: Admixed American, 0.005%; no homozygotes.

Submissions (2):

Ambry Genetics
Classification: Uncertain significance for Inborn genetic diseases. Last evaluated: 2024-06-05. Review status: criteria provided, single submitter. Criteria: Ambry Variant Classification Scheme 2023. Collection method: clinical testing. Allele origin: germline.

Labcorp Genetics (formerly Invitae), Labcorp
Classification: Uncertain significance. Last evaluated: 2022-08-01. Review status: criteria provided, single submitter. Criteria: Invitae Variant Classification Sherloc (09022015). Collection method: clinical testing. Allele origin: germline.
Comment: This sequence change replaces glutamine, which is neutral and polar, with arginine, which is basic and polar, at codon 942 of the TTC37 protein (p.Gln942Arg). This variant is not present in population databases (gnomAD no frequency). This variant has not been reported in the literature in individuals affected with TTC37-related conditions. Algorithms developed to predict the effect of missense changes on protein structure and function are either unavailable or do not agree on the potential impact of this missense change (SIFT: "Tolerated"; PolyPhen-2: "Probably Damaging"; Align-GVGD: "Class C0"). In summary, the available evidence is currently insufficient to determine the role of this variant in disease. Therefore, it has been classified as a Variant of Uncertain Significance.

NM_014639.4(SKIC3):c.2825A>G (p.Gln942Arg)

Gene: SKIC3 (SKI3 subunit of superkiller complex; minus strand). Cytogenetic location: 5q15.
Variant type: single nucleotide variant.
Coding change: c.2825A>G on transcript NM_014639.4 (MANE Select); coding-DNA position 2825, A replaced by G.
Protein change: p.Gln942Arg; replaces glutamine 942 with arginine.
Molecular consequence: missense variant.
Genome position (GRCh38, 1-based): chr5:95,512,572, T>C on the plus strand (A>G on the coding strand, the complement: SKIC3 is on the minus strand). VCF-style: chr5-95512572-T-C. GRCh37 (hg19) VCF-style: chr5-94848276-T-C.
Other names: short protein forms Q942R.
Identifiers: ClinVar variation 2416393 (VCV002416393.4), dbSNP rs1747193928, ClinGen allele CA360455570.